The following is an entry in ClinVar:

NM_000202.8(IDS):c.362A>G (p.Gln121Arg)

Gene: IDS (iduronate 2-sulfatase; minus strand). Cytogenetic location: Xq28.
Variant type: single nucleotide variant.
Coding change: c.362A>G on transcript NM_000202.8 (MANE Select); coding-DNA position 362, A replaced by G.
Protein change: p.Gln121Arg; replaces glutamine 121 with arginine.
Molecular consequence: missense variant. On other transcripts: non-coding transcript variant (1).
Genome position (GRCh38, 1-based): chrX:149,503,368, T>C on the plus strand (A>G on the coding strand, the complement: IDS is on the minus strand). VCF-style: chrX-149503368-T-C. GRCh37 (hg19) VCF-style: chrX-148584898-T-C.
Other names: c.92A>G, p.Gln31Arg (NM_001166550.4); c.362A>G, p.Gln121Arg (NM_006123.5); short protein forms Q121R, Q31R.
Identifiers: ClinVar variation 3255687 (VCV003255687.2).

ClinVar aggregate classification (germline): Likely pathogenic (1 of 4 stars; one submission).

Conditions:
Mucopolysaccharidosis, MPS-II (MPS2). Also called: Hunter Syndrome; IDURONATE 2-SULFATASE DEFICIENCY; Mucopolysaccharidosis Type II; Mucopolysaccharidosis type 2; Attenuated MPS (subtype; formerly known as mild MPS II); Severe MPS II. Identifiers: Orphanet 580, Orphanet 79388, MedGen C0026705, MONDO:0010674, OMIM 309900.

Submission:

Laboratory of Diagnosis and Therapy of Lysosomal Disorders, University of Padova
Classification: Likely pathogenic for Mucopolysaccharidosis, MPS-II. Last evaluated: 2024-06-07. Review status: criteria provided, single submitter. Criteria: ACMG Guidelines, 2015. Collection method: literature only. Allele origin: germline. Affected: yes. Observed: 3 variant alleles.
Comment: Absent from controls (or at low frequency) in gnomAD database (PM2_Moderate), Missense variant in a gene with a low rate of benign missense variation (PP2_Supporting), Multiple lines of computational evidence support a deleterious effect (PP3_Supporting), Patient’s phenotype or family history highly specific for the disease (PP4_Strong)

Classification method: ACMG Guidelines [PMID:25741868] with modifications

Literature cited by the submitters: PubMed 34813777; PubMed 9660053; PubMed 32775211.